The following is an entry in ClinVar:

ClinVar aggregate classification (germline): Likely benign. Review status: criteria provided, multiple submitters, no conflicts (2 of 4 stars). 2 submissions from 2 submitters: Likely benign (2). Last evaluated 2025-11-01.

Allele frequency attached by ClinVar (database versions not stated): ExAC 0.00007; ESP Exome Variant Server 0.00008; gnomAD 0.00014; TOPMed 0.00015; gnomAD exomes 0.00021.
gnomAD v4.1: 319 of 1,613,860 alleles (0.02%); highest among the groups gnomAD compares: Non-Finnish European, 0.026%; no homozygotes.

Submissions (2):

CeGaT Center for Human Genetics Tuebingen
Classification: Likely benign. Last evaluated: 2025-11-01. Review status: criteria provided, single submitter. Criteria: CeGaT Center For Human Genetics Tuebingen Variant Classification Criteria Version 2. Collection method: clinical testing. Allele origin: germline. Affected: yes. Observed: 1 variant allele.
Comment: CLCNKB: BP4, BP7

Labcorp Genetics (formerly Invitae), Labcorp
Classification: Likely benign. Last evaluated: 2024-10-12. Review status: criteria provided, single submitter. Criteria: Invitae Variant Classification Sherloc (09022015). Collection method: clinical testing. Allele origin: germline.

NM_000085.5(CLCNKB):c.1641G>A (p.Val547=)

Genes: CLCNKB (chloride voltage-gated channel Kb; plus strand), LOC106501713 (CLCNKB recombination region; plus strand). Cytogenetic location: 1p36.13.
Variant type: single nucleotide variant.
Coding change: c.1641G>A on transcript NM_000085.5 (MANE Select); coding-DNA position 1641, G replaced by A.
Protein change: p.Val547=; no amino-acid change (valine 547 retained).
Molecular consequence: synonymous variant.
Genome position (GRCh38, 1-based): chr1:16,053,657, G>A. VCF-style: chr1-16053657-G-A. GRCh37 (hg19) VCF-style: chr1-16380152-G-A.
Other names: c.1134G>A, p.Val378= (NM_001165945.2).
Identifiers: ClinVar variation 2768049 (VCV002768049.9), dbSNP rs369457928, ClinGen allele CA623973.